The following is an entry in ClinVar:

NG_009091.1(KCNE1):g.[66853A>C;66857T>C]

Gene: KCNE1 (potassium voltage-gated channel subfamily E regulatory subunit 1; minus strand). Cytogenetic location: 21q22.12.
Variant type: Indel.
Molecular consequence: missense variant (on NM_000219.6).
Genome position: GRCh38 VCF-style: chr21-34449458-CAGGGT-AGGGGG. GRCh37 (hg19) VCF-style: chr21-35821756-CAGGGT-AGGGGG.
Other names: c.172_177delACCCTGinsCCCCCT (NM_000219.3); c.172_177delinsCCCCCT, p.Thr58_Leu59delinsProPro (NM_000219.6, NM_001127668.4, NM_001127669.4 and 5 more transcripts).
Identifiers: ClinVar variation 13475 (VCV000013475.14), dbSNP rs281865421, ClinGen allele CA085426.

ClinVar aggregate classification (germline): Pathogenic/Likely pathogenic. Review status: criteria provided, multiple submitters, no conflicts (2 of 4 stars). 5 submissions from 5 submitters: Pathogenic (1); Likely pathogenic (3). 1 of the submissions does not count toward it. Last evaluated 2025-12-31.

Conditions:
Progressive cardiac conduction disease.
Long QT syndrome (LQTS). Identifiers: MedGen C0023976, MeSH D008133, MONDO:0002442. Disease mechanism: loss of function. Inheritance: Various modes of inheritance.
Jervell and Lange-Nielsen syndrome 2 (JLNS2). Identifiers: Orphanet 768, Orphanet 90647, MedGen C2676723, MONDO:0012871, OMIM 612347.
Long QT syndrome 5 (LQT5). Identifiers: Orphanet 101016, Orphanet 768, MedGen C1867904, MONDO:0013372, OMIM 613695.

Submissions (5):

Labcorp Genetics (formerly Invitae), Labcorp
Classification: Pathogenic for Long QT syndrome. Last evaluated: 2025-12-31. Review status: criteria provided, single submitter. Criteria: Invitae Variant Classification Sherloc (09022015). Collection method: clinical testing. Allele origin: germline.
Comment: This variant, c.172_177delinsCCCCCT, is a complex sequence change that results in the deletion of 2 and insertion of 2 amino acid(s) in the KCNE1 protein (p.Thr58_Leu59delinsProPro). Information on the frequency of this variant in the gnomAD database is not available, as this variant may be reported differently in the database. This variant has been observed in individuals with Jervell and Lange-Nielsen syndrome and/or long QT syndrome (PMID: 9328483, 10973849, 31941373; internal data). It has also been observed to segregate with disease in related individuals. This variant is also known as T59P/L60P. ClinVar contains an entry for this variant (Variation ID: 132658). Algorithms developed to predict the effect of variants on gene product structure and function are not available or were not evaluated for this variant. Experimental studies have shown that this variant affects KCNE1 function (PMID: 11530100, 19907016). For these reasons, this variant has been classified as Pathogenic.

GeneDx
Classification: Likely pathogenic. Last evaluated: 2024-06-06. Review status: criteria provided, single submitter. Criteria: GeneDx Variant Classification Process June 2021. Collection method: clinical testing. Allele origin: germline. Affected: yes.
Comment: Not observed in large population cohorts (gnomAD); Published functional studies demonstrate that the p.(T58P)/p.(L59P) variant severely weakens the interaction of KCNE1 with KCNQ1 and leads to an inability to modulate channel gating and the production of currents that lack the slow activation profile (PMID: 19907016); In silico analysis supports a deleterious effect on protein structure/function; Also known as p.(T59P)/p.(L60P) or p.(T58P)/p.(L59P) (PMID: 9328483, 11530100, 19907016); This variant is associated with the following publications: (PMID: 11530100, 11692163, 26410412, 9328483, 31941373, 19907016, 10973849)

North West Genomic Laboratory Hub, Manchester University NHS Foundation Trust
Classification: Likely pathogenic for Long QT syndrome; Progressive cardiac conduction disease. Last evaluated: 2023-11-22. Review status: criteria provided, single submitter. Criteria: ACGS Best Practice Guidelines for Variant Classification in Rare Disease 2020. Collection method: clinical testing. Allele origin: germline. Affected: yes.
Comment: PS3_Supp PP1_Mod PM3_Supp PS4_Supp PP3_Supp

Fulgent Genetics
Classification: Likely pathogenic for Jervell and Lange-Nielsen syndrome 2; Long QT syndrome 5. Last evaluated: 2021-10-21. Review status: criteria provided, single submitter. Criteria: ACMG Guidelines, 2015. Collection method: clinical testing. Allele origin: unknown.

OMIM
Classification: Pathogenic for JERVELL AND LANGE-NIELSEN SYNDROME 2. Last evaluated: 1997-11-01. Review status: no assertion criteria provided. Collection method: literature only. Allele origin: germline. Not counted in ClinVar's aggregate classification.

Literature cited by the submitters: PubMed 9328483 (cited by Labcorp Genetics (formerly Invitae), Labcorp and OMIM); PubMed 10973849 (cited by Labcorp Genetics (formerly Invitae), Labcorp); PubMed 31941373 (cited by Labcorp Genetics (formerly Invitae), Labcorp); PubMed 11530100 (cited by Labcorp Genetics (formerly Invitae), Labcorp); PubMed 19907016 (cited by Labcorp Genetics (formerly Invitae), Labcorp).